The following is an entry in ClinVar:

ClinVar aggregate classification (germline): Uncertain significance (1 of 4 stars; one submission).

Allele frequency attached by ClinVar (database versions not stated): gnomAD exomes below 0.00001; TOPMed below 0.00001.

Submission:

Labcorp Genetics (formerly Invitae), Labcorp
Classification: Uncertain significance. Last evaluated: 2025-02-24. Review status: criteria provided, single submitter. Criteria: Invitae Variant Classification Sherloc (09022015). Collection method: clinical testing. Allele origin: germline.
Comment: This sequence change replaces phenylalanine, which is neutral and non-polar, with leucine, which is neutral and non-polar, at codon 1012 of the SLC24A1 protein (p.Phe1012Leu). This variant is not present in population databases (gnomAD no frequency). This variant has not been reported in the literature in individuals affected with SLC24A1-related conditions. ClinVar contains an entry for this variant (Variation ID: 2098335). An algorithm developed to predict the effect of missense changes on protein structure and function (PolyPhen-2) suggests that this variant is likely to be disruptive. In summary, the available evidence is currently insufficient to determine the role of this variant in disease. Therefore, it has been classified as a Variant of Uncertain Significance.

NM_004727.3(SLC24A1):c.3034T>C (p.Phe1012Leu)

Gene: SLC24A1 (solute carrier family 24 member 1; plus strand). Cytogenetic location: 15q22.31.
Variant type: single nucleotide variant.
Coding change: c.3034T>C on transcript NM_004727.3 (MANE Select); coding-DNA position 3034, T replaced by C.
Protein change: p.Phe1012Leu; replaces phenylalanine 1012 with leucine.
Molecular consequence: missense variant.
Genome position (GRCh38, 1-based): chr15:65,652,792, T>C. VCF-style: chr15-65652792-T-C. GRCh37 (hg19) VCF-style: chr15-65945130-T-C.
Other names: c.1015T>C, p.Phe339Leu (NM_001254740.2); c.2944T>C, p.Phe982Leu (NM_001301031.1); c.2980T>C, p.Phe994Leu (NM_001301032.1, NM_001301033.2); c.2692T>C, p.Phe898Leu (NM_001411142.1); short protein forms F1012L, F898L, F994L, F339L, F982L.
Identifiers: ClinVar variation 2098335 (VCV002098335.4), dbSNP rs1235285561, ClinGen allele CA392902356.